The following is an entry in ClinVar:

NM_025207.5(FLAD1):c.1229C>A (p.Thr410Asn)

Gene: FLAD1 (flavin adenine dinucleotide synthetase 1; plus strand). Cytogenetic location: 1q21.3.
Variant type: single nucleotide variant.
Coding change: c.1229C>A on transcript NM_025207.5 (MANE Select); coding-DNA position 1229, C replaced by A.
Protein change: p.Thr410Asn; replaces threonine 410 with asparagine.
Molecular consequence: missense variant.
Genome position (GRCh38, 1-based): chr1:154,989,671, C>A. VCF-style: chr1-154989671-C-A. GRCh37 (hg19) VCF-style: chr1-154962147-C-A.
Other names: c.938C>A, p.Thr313Asn (NM_001184891.2, NM_201398.3); short protein forms T313N, T410N.
Identifiers: ClinVar variation 3383694 (VCV003383694.2).

ClinVar aggregate classification (germline): Uncertain significance. Review status: criteria provided, multiple submitters, no conflicts (2 of 4 stars). 2 submissions from 2 submitters: Uncertain significance (2). Last evaluated 2025-08-21.

Conditions:
Inborn genetic diseases. Identifiers: MedGen C0950123, MeSH D030342.

gnomAD v4.1: 14 of 1,584,246 alleles (0.00088%); highest among the groups gnomAD compares: Non-Finnish European, 0.0012%; no homozygotes.

Submissions (2):

Ambry Genetics
Classification: Uncertain significance for Inborn genetic diseases. Last evaluated: 2025-08-21. Review status: criteria provided, single submitter. Criteria: Ambry Variant Classification Scheme 2023. Collection method: clinical testing. Allele origin: germline.

GeneDx
Classification: Uncertain significance. Last evaluated: 2024-05-28. Review status: criteria provided, single submitter. Criteria: GeneDx Variant Classification Process June 2021. Collection method: clinical testing. Allele origin: germline. Affected: yes.
Comment: Not observed at significant frequency in large population cohorts (gnomAD); In silico analysis supports that this missense variant has a deleterious effect on protein structure/function; Has not been previously published as pathogenic or benign to our knowledge